The following is an entry in ClinVar:

ClinVar aggregate classification (germline): Benign (1 of 4 stars; one submission).

Allele frequency attached by ClinVar (database versions not stated): 1000 Genomes Project 0.68431; gnomAD 0.68431 and 0.68934; 1000 Genomes Project 30x 0.68754; TOPMed 0.69045.
gnomAD v4.1: 561,759 of 877,492 alleles (64%); highest among the groups gnomAD compares: African/African-American, 84%; 183,023 homozygotes.

Submission:

GeneDx
Classification: Benign. Last evaluated: 2018-06-16. Review status: criteria provided, single submitter. Criteria: GeneDx Variant Classification (06012015). Collection method: clinical testing. Allele origin: germline. Affected: yes.
Comment: This variant is considered likely benign or benign based on one or more of the following criteria: it is a conservative change, it occurs at a poorly conserved position in the protein, it is predicted to be benign by multiple in silico algorithms, and/or has population frequency not consistent with disease.

NM_006031.6(PCNT):c.7494+143T>C

Gene: PCNT (pericentrin; plus strand). Cytogenetic location: 21q22.3.
Variant type: single nucleotide variant.
Coding change: c.7494+143T>C on transcript NM_006031.6 (MANE Select); 143 bases into the intron after coding-DNA position 7494, T replaced by C.
Molecular consequence: intron variant.
Genome position (GRCh38, 1-based): chr21:46,427,938, T>C. VCF-style: chr21-46427938-T-C. GRCh37 (hg19) VCF-style: chr21-47847852-T-C.
Other names: c.7140+143T>C (NM_001315529.2).
Identifiers: ClinVar variation 667806 (VCV000667806.1), dbSNP rs2073374, ClinGen allele CA14865601.
Genomic context (GRCh38, chr21:46,427,938, plus strand): 5'-TGTGAATTTCGGTTTGTGTGTTTCTCTCGACCGCTGGAATGTGGCTGTCACTTACCCAGG[T>C]GTTGACGCTCAGTCCATGCAGGATGCTGCACTTTTCCACCTGCAGCTGTAACAGGACAGG-3'